The following is an entry in ClinVar:

ClinVar aggregate classification (germline): Uncertain significance (1 of 4 stars; one submission).

Allele frequency attached by ClinVar (database versions not stated): gnomAD 0.00001; gnomAD exomes 0.00001; TOPMed 0.00001.

Submission:

Labcorp Genetics (formerly Invitae), Labcorp
Classification: Uncertain significance. Last evaluated: 2022-03-27. Review status: criteria provided, single submitter. Criteria: Invitae Variant Classification Sherloc (09022015). Collection method: clinical testing. Allele origin: germline.
Comment: This sequence change falls in intron 4 of the DRAM2 gene. It does not directly change the encoded amino acid sequence of the DRAM2 protein. This variant is present in population databases (no rsID available, gnomAD 0.0009%). This variant has not been reported in the literature in individuals affected with DRAM2-related conditions. In summary, the available evidence is currently insufficient to determine the role of this variant in disease. Therefore, it has been classified as a Variant of Uncertain Significance. Algorithms developed to predict the effect of sequence changes on RNA splicing suggest that this variant may disrupt the consensus splice site.

NM_001349884.2(DRAM2):c.200-14T>G

Gene: DRAM2 (DNA damage regulated autophagy modulator 2; minus strand). Cytogenetic location: 1p13.3.
Variant type: single nucleotide variant.
Coding change: c.200-14T>G on transcript NM_001349884.2 (MANE Select); 14 bases into the intron before coding-DNA position 200, T replaced by G.
Molecular consequence: intron variant.
Genome position (GRCh38, 1-based): chr1:111,124,895, A>C on the plus strand (T>G on the coding strand, the complement: DRAM2 is on the minus strand). VCF-style: chr1-111124895-A-C. GRCh37 (hg19) VCF-style: chr1-111667517-A-C.
Other names: c.200-14T>G (NM_001349885.2, NM_178454.6, NM_001349882.2 and 1 more transcripts); c.-52+1332T>G (NM_001349889.2, NM_001349890.2, NM_001349892.2 and 1 more transcripts); c.41+1332T>G (NM_001349887.2, NM_001349886.2, NM_001349888.2); c.-219-14T>G (NM_001349891.2).
Identifiers: ClinVar variation 1953366 (VCV001953366.5), dbSNP rs1458566893, ClinGen allele CA525493845.
Genomic context (GRCh38, chr1:111,124,895, plus strand): 5'-ACTCAGAGCATGAACTTGCTTATAACGAACATAAATGGTAGCAATGCCTGGGAAAAGATA[A>C]TCCAAAAAACAACAAAGTAATAAATAATCAAGAAATAAAGTTGCCAATGAAGAGTTCACA-3'